The following is an entry in ClinVar:

NM_003737.4(DCHS1):c.5533G>A (p.Val1845Met)

Gene: DCHS1 (dachsous cadherin-related 1; minus strand). Cytogenetic location: 11p15.4.
Variant type: single nucleotide variant.
Coding change: c.5533G>A on transcript NM_003737.4 (MANE Select); coding-DNA position 5533, G replaced by A.
Protein change: p.Val1845Met; replaces valine 1845 with methionine.
Molecular consequence: missense variant.
Genome position (GRCh38, 1-based): chr11:6,627,506, C>T on the plus strand (G>A on the coding strand, the complement: DCHS1 is on the minus strand). VCF-style: chr11-6627506-C-T. GRCh37 (hg19) VCF-style: chr11-6648737-C-T.
Other names: short protein forms V1845M.
Identifiers: ClinVar variation 1303330 (VCV001303330.2), dbSNP rs1855829659, ClinGen allele CA379394404.

ClinVar aggregate classification (germline): Uncertain significance (1 of 4 stars; one submission).

Submission:

GeneDx
Classification: Uncertain significance. Last evaluated: 2020-02-20. Review status: criteria provided, single submitter. Criteria: GeneDx Variant Classification Process June 2021. Collection method: clinical testing. Allele origin: germline. Affected: yes.
Comment: Not observed in large population cohorts (Lek et al., 2016); In silico analysis supports that this missense variant has a deleterious effect on protein structure/function; Has not been previously published as pathogenic or benign to our knowledge